The following is an entry in ClinVar:

ClinVar aggregate classification (germline): Uncertain significance (1 of 4 stars; one submission).

Submission:

CeGaT Center for Human Genetics Tuebingen
Classification: Uncertain significance. Last evaluated: 2023-12-01. Review status: criteria provided, single submitter. Criteria: CeGaT Center For Human Genetics Tuebingen Variant Classification Criteria Version 2. Collection method: clinical testing. Allele origin: germline. Affected: yes. Observed: 1 variant allele.
Comment: KMT2C: PM2

NM_170606.3(KMT2C):c.9426G>T (p.Gln3142His)

Gene: KMT2C (lysine methyltransferase 2C; minus strand). Cytogenetic location: 7q36.1.
Variant type: single nucleotide variant.
Coding change: c.9426G>T on transcript NM_170606.3 (MANE Select); coding-DNA position 9426, G replaced by T.
Protein change: p.Gln3142His; replaces glutamine 3142 with histidine.
Molecular consequence: missense variant.
Genome position (GRCh38, 1-based): chr7:152,171,291, C>A on the plus strand (G>T on the coding strand, the complement: KMT2C is on the minus strand). VCF-style: chr7-152171291-C-A. GRCh37 (hg19) VCF-style: chr7-151868376-C-A.
Other names: short protein forms Q3142H.
Identifiers: ClinVar variation 3026629 (VCV003026629.22), dbSNP rs2129108541, ClinGen allele CA370107651.
Genomic context (GRCh38, chr7:152,171,291, plus strand): 5'-CATTCTAGAGGGACTCATTACAGGCAGTGTTACCTGAGGAATGGCCTGTGGTCCAAGGTT[C>A]TGTCCTTCACTGTTCTGTGTTCCAGTTACCACCTGGCCCATAAAAGGGAACCTGTCAAAA-3'
Protein context (NP_733751.2, residues 3132-3152): VVTGTQNSEG[Gln3142His]NLGPQAIPQD